The following is an entry in ClinVar:

NM_020725.2(ATXN7L1):c.1695C>T (p.Asn565=)

Gene: ATXN7L1 (ataxin 7 like 1; minus strand). Cytogenetic location: 7q22.3.
Variant type: single nucleotide variant.
Coding change: c.1695C>T on transcript NM_020725.2 (MANE Select); coding-DNA position 1695, C replaced by T.
Protein change: p.Asn565=; no amino-acid change (asparagine 565 retained).
Molecular consequence: synonymous variant.
Genome position (GRCh38, 1-based): chr7:105,614,639, G>A on the plus strand (C>T on the coding strand, the complement: ATXN7L1 is on the minus strand). VCF-style: chr7-105614639-G-A. GRCh37 (hg19) VCF-style: chr7-105255086-G-A.
Other names: c.1047C>T, p.Asn349= (NM_001318229.2); c.1695C>T, p.Asn565= (NM_001385596.1); c.1323C>T, p.Asn441= (NM_138495.2).
Identifiers: ClinVar variation 3905120 (VCV003905120.10).

ClinVar aggregate classification (germline): Likely benign (1 of 4 stars; one submission).

gnomAD v4.1: 78 of 1,551,662 alleles (0.005%); highest among the groups gnomAD compares: South Asian, 0.067%; no homozygotes.

Submission:

CeGaT Center for Human Genetics Tuebingen
Classification: Likely benign. Last evaluated: 2025-06-01. Review status: criteria provided, single submitter. Criteria: CeGaT Center For Human Genetics Tuebingen Variant Classification Criteria Version 2. Collection method: clinical testing. Allele origin: germline. Affected: yes. Observed: 1 variant allele.
Comment: ATXN7L1: BP4, BP7